The following is an entry in ClinVar:

NM_173354.5(SIK1):c.1976+5G>T

Gene: SIK1 (salt inducible kinase 1; minus strand). Cytogenetic location: 21q22.3.
Variant type: single nucleotide variant.
Coding change: c.1976+5G>T on transcript NM_173354.5 (MANE Select); 5 bases into the intron after coding-DNA position 1976, G replaced by T.
Molecular consequence: intron variant.
Genome position (GRCh38, 1-based): chr21:43,417,538, C>A on the plus strand (G>T on the coding strand, the complement: SIK1 is on the minus strand). VCF-style: chr21-43417538-C-A. GRCh37 (hg19) VCF-style: chr21-44837418-C-A.
Identifiers: ClinVar variation 1051375 (VCV001051375.7), dbSNP rs2146468569, ClinGen allele CA2499225953.
Genomic context (GRCh38, chr21:43,417,538, plus strand): 5'-AGGTTCCTCGAGGAGATAACCTGCCGTGTGCCCACCCGGGGTCCCAGGGCGGGGGCAGGC[C>A]CTACCTCTGCTGCTCTAGCACCTCCTCCAGCAGGCTCCAGCCCTCCCGGCTGCCGGCTGC-3'

ClinVar aggregate classification (germline): Uncertain significance (1 of 4 stars; one submission).

Conditions:
Developmental and epileptic encephalopathy, 30 (DEE30). Also called: Epileptic encephalopathy, early infantile, 30. Identifiers: MedGen C4225360, MONDO:0014595, OMIM 616341.

Submission:

Labcorp Genetics (formerly Invitae), Labcorp
Classification: Uncertain significance for Developmental and epileptic encephalopathy, 30. Last evaluated: 2022-08-23. Review status: criteria provided, single submitter. Criteria: Invitae Variant Classification Sherloc (09022015). Collection method: clinical testing. Allele origin: germline.
Comment: In summary, the available evidence is currently insufficient to determine the role of this variant in disease. Therefore, it has been classified as a Variant of Uncertain Significance. Variants that disrupt the consensus splice site are a relatively common cause of aberrant splicing (PMID: 17576681, 9536098). Algorithms developed to predict the effect of sequence changes on RNA splicing suggest that this variant may create or strengthen a splice site. ClinVar contains an entry for this variant (Variation ID: 1051375). This variant has not been reported in the literature in individuals affected with SIK1-related conditions. This variant is not present in population databases (gnomAD no frequency). This sequence change falls in intron 13 of the SIK1 gene. It does not directly change the encoded amino acid sequence of the SIK1 protein. It affects a nucleotide within the consensus splice site.

Literature cited by the submitters: PubMed 17576681; PubMed 9536098.